The following is an entry in ClinVar:

NM_014795.4(ZEB2):c.-18T>G

Gene: ZEB2 (zinc finger E-box binding homeobox 2; minus strand). Cytogenetic location: 2q22.3.
Variant type: single nucleotide variant.
Coding change: c.-18T>G on transcript NM_014795.4 (MANE Select); 18 bases upstream of the start codon, T replaced by G.
Molecular consequence: 5 prime UTR variant. On other transcripts: non-coding transcript variant (1).
Genome position (GRCh38, 1-based): chr2:144,517,368, A>C on the plus strand (T>G on the coding strand, the complement: ZEB2 is on the minus strand). VCF-style: chr2-144517368-A-C. GRCh37 (hg19) VCF-style: chr2-145274935-A-C.
Other names: c.-18T>G (NM_001171653.2).
Identifiers: ClinVar variation 381063 (VCV000381063.1), dbSNP rs764963313, ClinGen allele CA1898731.

ClinVar aggregate classification (germline): Likely benign (1 of 4 stars; one submission).

Allele frequency attached by ClinVar (database versions not stated): gnomAD 0.00003; TOPMed 0.00003 and 0.00005.
gnomAD v4.1: 154 of 1,613,500 alleles (0.0095%); highest among the groups gnomAD compares: Non-Finnish European, 0.013%; no homozygotes.

Submission:

GeneDx
Classification: Likely benign. Last evaluated: 2015-10-14. Review status: criteria provided, single submitter. Criteria: GeneDx Variant Classification (06012015). Collection method: clinical testing. Allele origin: germline. Affected: yes.
Comment: This variant is considered likely benign or benign based on one or more of the following criteria: it is a conservative change, it occurs at a poorly conserved position in the protein, it is predicted to be benign by multiple in silico algorithms, and/or has population frequency not consistent with disease.